The following is an entry in ClinVar:

NM_000051.4(ATM):c.3796G>C (p.Asp1266His)

Gene: ATM (ATM serine/threonine kinase; plus strand). Cytogenetic location: 11q22.3.
Variant type: single nucleotide variant.
Coding change: c.3796G>C on transcript NM_000051.4 (MANE Select); coding-DNA position 3796, G replaced by C.
Protein change: p.Asp1266His; replaces aspartic acid 1266 with histidine.
Molecular consequence: missense variant.
Genome position (GRCh38, 1-based): chr11:108,284,276, G>C. VCF-style: chr11-108284276-G-C. GRCh37 (hg19) VCF-style: chr11-108155003-G-C.
Other names: c.3796G>C, p.Asp1266His (NM_001351834.2); short protein forms D1266H.
Identifiers: ClinVar variation 1350539 (VCV001350539.8), dbSNP rs2135705400, ClinGen allele CA382524660.

ClinVar aggregate classification (germline): Uncertain significance (1 of 4 stars; one submission).

Conditions:
Ataxia-telangiectasia syndrome (AT). Also called: Ataxia-telangiectasia, complementation group D; ATAXIA-TELANGIECTASIA, COMPLEMENTATION GROUP A; ATAXIA-TELANGIECTASIA, FRESNO VARIANT; Ataxia-telangiectasia, complementation group E; Cerebello-oculocutaneous telangiectasia; Immunodeficiency with ataxia telangiectasia. Identifiers: Orphanet 100, MedGen C0004135, MONDO:0008840, OMIM 208900.

Submission:

Labcorp Genetics (formerly Invitae), Labcorp
Classification: Uncertain significance for Ataxia-telangiectasia syndrome. Last evaluated: 2021-05-01. Review status: criteria provided, single submitter. Criteria: Invitae Variant Classification Sherloc (09022015). Collection method: clinical testing. Allele origin: germline.
Comment: In summary, the available evidence is currently insufficient to determine the role of this variant in disease. Therefore, it has been classified as a Variant of Uncertain Significance. Advanced modeling of protein sequence and biophysical properties (such as structural, functional, and spatial information, amino acid conservation, physicochemical variation, residue mobility, and thermodynamic stability) performed at Invitae indicates that this missense variant is not expected to disrupt ATM protein function. This variant has not been reported in the literature in individuals with ATM-related conditions. This variant is not present in population databases (ExAC no frequency). This sequence change replaces aspartic acid with histidine at codon 1266 of the ATM protein (p.Asp1266His). The aspartic acid residue is moderately conserved and there is a moderate physicochemical difference between aspartic acid and histidine.